The following is an entry in ClinVar:

ClinVar aggregate classification (germline): Benign. Review status: criteria provided, multiple submitters, no conflicts (2 of 4 stars). 10 submissions from 9 submitters: Benign (7). 3 of the submissions do not count toward it. Last evaluated 2026-02-03.

Conditions:
Spinocerebellar ataxia 44. Identifiers: Orphanet 631095, MedGen C4521563, MONDO:0033479, OMIM 617691.
Autosomal recessive spinocerebellar ataxia 13. Identifiers: Orphanet 324262, MedGen C3553816, MONDO:0013905, OMIM 614831.

Allele frequency attached by ClinVar (database versions not stated): gnomAD exomes 0.56054 and 0.56450; ExAC 0.57728; gnomAD 0.64380 and 0.64620; TOPMed 0.65396; ESP Exome Variant Server 0.67424; 1000 Genomes Project 0.69069; 1000 Genomes Project 30x 0.69316.
gnomAD v4.1: 918,310 of 1,612,734 alleles (57%); highest among the groups gnomAD compares: African/African-American, 89%; 267,608 homozygotes.

Submissions (10):

Labcorp Genetics (formerly Invitae), Labcorp
Classification: Benign. Last evaluated: 2026-02-03. Review status: criteria provided, single submitter. Criteria: Invitae Variant Classification Sherloc (09022015). Collection method: clinical testing. Allele origin: germline.

Blueprint Genetics
Classification: Benign. Last evaluated: 2024-11-27. Review status: criteria provided, single submitter. Criteria: ACMG Guidelines, 2015. Collection method: clinical testing. Allele origin: germline.

Mayo Clinic Laboratories, Mayo Clinic
Classification: Benign. Last evaluated: 2022-03-24. Review status: criteria provided, single submitter. Criteria: ACMG Guidelines, 2015. Collection method: clinical testing. Allele origin: germline. Observed: 394 variant alleles.

Genome-Nilou Lab
Classification: Benign for Spinocerebellar ataxia 44. Last evaluated: 2021-08-10. Review status: criteria provided, single submitter. Criteria: ACMG Guidelines, 2015. Collection method: clinical testing. Allele origin: germline. Affected: no.

Genome-Nilou Lab
Classification: Benign for Autosomal recessive spinocerebellar ataxia 13. Last evaluated: 2021-08-10. Review status: criteria provided, single submitter. Criteria: ACMG Guidelines, 2015. Collection method: clinical testing. Allele origin: germline. Affected: no.

GeneDx
Classification: Benign. Last evaluated: 2019-08-09. Review status: criteria provided, single submitter. Criteria: GeneDx Variant Classification Process June 2021. Collection method: clinical testing. Allele origin: germline. Affected: yes.

Athena Diagnostics
Classification: Benign. Last evaluated: 2019-07-15. Review status: criteria provided, single submitter. Criteria: Athena Diagnostics Criteria. Collection method: clinical testing. Allele origin: germline.

Clinical Genetics DNA and cytogenetics Diagnostics Lab, Erasmus MC, Erasmus Medical Center
Classification: Benign. Review status: no assertion criteria provided. Collection method: clinical testing. Allele origin: germline. Affected: yes. Study: VKGL Data-share Consensus. Not counted in ClinVar's aggregate classification.

Diagnostic Laboratory, Department of Genetics, University Medical Center Groningen
Classification: Benign for Autosomal recessive spinocerebellar ataxia 13. Review status: no assertion criteria provided. Collection method: clinical testing. Allele origin: germline. Affected: yes. Study: VKGL Data-share Consensus. Not counted in ClinVar's aggregate classification.

Genetic Services Laboratory, University of Chicago
Classification: Likely benign for AllHighlyPenetrant. Review status: no assertion criteria provided. Collection method: clinical testing. Allele origin: germline. Inheritance: Autosomal recessive inheritance. Not counted in ClinVar's aggregate classification.
Comment: Likely benign based on allele frequency in 1000 Genomes Project or ESP global frequency and its presence in a patient with a rare or unrelated disease phenotype. NOT Sanger confirmed.

NM_001278064.2(GRM1):c.3168T>G (p.Gly1056=)

Gene: GRM1 (glutamate metabotropic receptor 1; plus strand). Cytogenetic location: 6q24.3.
Variant type: single nucleotide variant.
Coding change: c.3168T>G on transcript NM_001278064.2 (MANE Select); coding-DNA position 3168, T replaced by G.
Protein change: p.Gly1056=; no amino-acid change (glycine 1056 retained).
Molecular consequence: synonymous variant. On other transcripts: 3 prime UTR variant (3).
Genome position (GRCh38, 1-based): chr6:146,434,379, T>G. VCF-style: chr6-146434379-T-G. GRCh37 (hg19) VCF-style: chr6-146755515-T-G.
Other names: p.Gly1056=; c.*532T>G (NM_001278065.2); c.*497T>G (NM_001278066.1); c.*406T>G (NM_001278067.1).
Identifiers: ClinVar variation 129211 (VCV000129211.17), dbSNP rs6923864, ClinGen allele CA153058.